The following is an entry in ClinVar:

NM_015629.4(PRPF31):c.1123G>C (p.Ala375Pro)

Gene: PRPF31 (pre-mRNA processing factor 31; plus strand). Cytogenetic location: 19q13.42.
Variant type: single nucleotide variant.
Coding change: c.1123G>C on transcript NM_015629.4 (MANE Select); coding-DNA position 1123, G replaced by C.
Protein change: p.Ala375Pro; replaces alanine 375 with proline.
Molecular consequence: missense variant.
Genome position (GRCh38, 1-based): chr19:54,128,354, G>C. VCF-style: chr19-54128354-G-C. GRCh37 (hg19) VCF-style: chr19-54631729-G-C.
Other names: c.1123G>C (NM_015629.3); short protein forms A375P.
Identifiers: ClinVar variation 2866443 (VCV002866443.5), dbSNP rs1370041345, ClinGen allele CA407753908.

ClinVar aggregate classification (germline): Conflicting classifications of pathogenicity. Review status: criteria provided, conflicting classifications (1 of 4 stars). 3 submissions from 3 submitters: Likely pathogenic (1); Uncertain significance (2). Last evaluated 2026-08-26.

Conditions:
PRPF31-related disorder. Also called: PRPF31-related condition.

Submissions (3):

PreventionGenetics, part of Exact Sciences
Classification: Uncertain significance for PRPF31-related condition. Last evaluated: 2026-08-26. Review status: criteria provided, single submitter. Criteria: ACMG Guidelines, 2015. Collection method: clinical testing. Allele origin: germline.
Comment: The PRPF31 c.1123G>C variant is predicted to result in the amino acid substitution p.Ala375Pro. To our knowledge, this variant has not been reported in the literature or in a large population database (gnomAD), indicating this variant is rare. At this time, the clinical significance of this variant is uncertain due to the absence of conclusive functional and genetic evidence.

Blueprint Genetics
Classification: Likely pathogenic for PRPF31-related disorders. Last evaluated: 2023-08-15. Review status: criteria provided, single submitter. Criteria: ACMG Guidelines, 2015. Collection method: clinical testing. Allele origin: germline. Affected: yes. Observed: 3 variant alleles.

Labcorp Genetics (formerly Invitae), Labcorp
Classification: Uncertain significance. Last evaluated: 2023-05-20. Review status: criteria provided, single submitter. Criteria: Invitae Variant Classification Sherloc (09022015). Collection method: clinical testing. Allele origin: germline.
Comment: In summary, the available evidence is currently insufficient to determine the role of this variant in disease. Therefore, it has been classified as a Variant of Uncertain Significance. An algorithm developed to predict the effect of missense changes on protein structure and function (PolyPhen-2) suggests that this variant is likely to be disruptive. This variant has not been reported in the literature in individuals affected with PRPF31-related conditions. This variant is not present in population databases (gnomAD no frequency). This sequence change replaces alanine, which is neutral and non-polar, with proline, which is neutral and non-polar, at codon 375 of the PRPF31 protein (p.Ala375Pro).